The following is an entry in ClinVar:

ClinVar aggregate classification (germline): Uncertain significance (1 of 4 stars; one submission).

Conditions:
Dystonic disorder. Also called: Dystonia. Identifiers: MedGen C0013421, MONDO:0003441, HP:0001332.

Submission:

Labcorp Genetics (formerly Invitae), Labcorp
Classification: Uncertain significance for Dystonic disorder. Last evaluated: 2019-03-26. Review status: criteria provided, single submitter. Criteria: Invitae Variant Classification Sherloc (09022015). Collection method: clinical testing. Allele origin: germline.
Comment: In summary, the available evidence is currently insufficient to determine the role of this variant in disease. Therefore, it has been classified as a Variant of Uncertain Significance. Algorithms developed to predict the effect of missense changes on protein structure and function (SIFT, PolyPhen-2, Align-GVGD) all suggest that this variant is likely to be tolerated, but these predictions have not been confirmed by published functional studies and their clinical significance is uncertain. This variant has not been reported in the literature in individuals with TOR1A-related conditions. This variant is not present in population databases (ExAC no frequency). This sequence change replaces phenylalanine with valine at codon 306 of the TOR1A protein (p.Phe306Val). The phenylalanine residue is moderately conserved and there is a small physicochemical difference between phenylalanine and valine.

NM_000113.3(TOR1A):c.916T>G (p.Phe306Val)

Gene: TOR1A (torsin family 1 member A; minus strand). Cytogenetic location: 9q34.11.
Variant type: single nucleotide variant.
Coding change: c.916T>G on transcript NM_000113.3 (MANE Select); coding-DNA position 916, T replaced by G.
Protein change: p.Phe306Val; replaces phenylalanine 306 with valine.
Molecular consequence: missense variant.
Genome position (GRCh38, 1-based): chr9:129,814,055, A>C on the plus strand (T>G on the coding strand, the complement: TOR1A is on the minus strand). VCF-style: chr9-129814055-A-C. GRCh37 (hg19) VCF-style: chr9-132576334-A-C.
Other names: short protein forms F306V.
Identifiers: ClinVar variation 841353 (VCV000841353.9), dbSNP rs2030967244, ClinGen allele CA375197599.